The following is an entry in ClinVar:

ClinVar aggregate classification (germline): Likely pathogenic (1 of 4 stars; one submission).

Conditions:
Dyggve-Melchior-Clausen syndrome (DMC). Also called: Dyggve-Melchior-Clausen disease; DMC syndrome. Identifiers: Orphanet 239, MedGen C0265286, MONDO:0009130, OMIM 223800.

Submission:

Neuberg Centre For Genomic Medicine, NCGM
Classification: Likely pathogenic for Dyggve-Melchior-Clausen syndrome. Review status: criteria provided, single submitter. Criteria: ACMG Guidelines, 2015. Collection method: clinical testing. Allele origin: germline. Inheritance: Autosomal recessive inheritance. Affected: yes.
Comment: The observed invariant splice acceptor variant c.1626-2A>G in DYM gene has not been reported previously as a pathogenic variant nor as a benign variant, to our knowledge. The c.1626-2A>G variant is absent in gnomAD Exomes database. This variant has not been submitted to the ClinVar database. Loss of function variants in DYM gene have been previously reported to be disease causing. For these reasons, this variant has been classified as Likely Pathogenic.

NM_001353214.3(DYM):c.1626-2A>G

Gene: DYM (dymeclin; minus strand). Cytogenetic location: 18q21.1.
Variant type: single nucleotide variant.
Coding change: c.1626-2A>G on transcript NM_001353214.3 (MANE Select); the canonical splice acceptor site of the intron before coding-DNA position 1626, A replaced by G.
Molecular consequence: splice acceptor variant.
Genome position (GRCh38, 1-based): chr18:49,163,789, T>C on the plus strand (A>G on the coding strand, the complement: DYM is on the minus strand). VCF-style: chr18-49163789-T-C. GRCh37 (hg19) VCF-style: chr18-46690159-T-C.
Other names: c.1455-2A>G (NM_001374439.1); c.1620-2A>G (NM_001374429.1); c.1458-2A>G (NM_001353211.3, NM_001374438.1, NM_001374435.1 and 1 more transcripts); c.1623-2A>G (NM_001353212.3, NM_001353213.3); c.888-2A>G (NM_001374443.1); c.891-2A>G (NM_001374444.1, NM_001374442.1); c.1056-2A>G (NM_001374441.1); c.1233-2A>G (NM_001374440.1); and 5 more.
Identifiers: ClinVar variation 3241985 (VCV003241985.1), dbSNP rs2514909662.